The following is an entry in ClinVar:

NM_152358.3(IZUMO2):c.552G>A (p.Arg184=)

Gene: IZUMO2 (IZUMO family member 2; minus strand). Cytogenetic location: 19q13.33.
Variant type: single nucleotide variant.
Coding change: c.552G>A on transcript NM_152358.3 (MANE Select); coding-DNA position 552, G replaced by A.
Protein change: p.Arg184=; no amino-acid change (arginine 184 retained).
Molecular consequence: synonymous variant.
Genome position (GRCh38, 1-based): chr19:50,154,671, C>T on the plus strand (G>A on the coding strand, the complement: IZUMO2 is on the minus strand). VCF-style: chr19-50154671-C-T. GRCh37 (hg19) VCF-style: chr19-50657928-C-T.
Other names: c.552G>A, p.Arg184= (NM_001321449.1).
Identifiers: ClinVar variation 5039973 (VCV005039973.1).

ClinVar aggregate classification (germline): Likely benign (1 of 4 stars; one submission).

Submission:

CeGaT Center for Human Genetics Tuebingen
Classification: Likely benign. Last evaluated: 2026-07-01. Review status: criteria provided, single submitter. Criteria: CeGaT Center For Human Genetics Tuebingen Variant Classification Criteria Version 2. Collection method: clinical testing. Allele origin: germline. Affected: yes. Observed: 1 variant allele.
Comment: IZUMO2: PM2:Supporting, BP4, BP7